The following is an entry in ClinVar:

NM_178470.5(DCAF12L1):c.597C>A (p.Ala199=)

Gene: DCAF12L1 (DDB1 and CUL4 associated factor 12 like 1; minus strand). Cytogenetic location: Xq25.
Variant type: single nucleotide variant.
Coding change: c.597C>A on transcript NM_178470.5 (MANE Select); coding-DNA position 597, C replaced by A.
Protein change: p.Ala199=; no amino-acid change (alanine 199 retained).
Molecular consequence: synonymous variant.
Genome position (GRCh38, 1-based): chrX:126,552,012, G>T on the plus strand (C>A on the coding strand, the complement: DCAF12L1 is on the minus strand). VCF-style: chrX-126552012-G-T. GRCh37 (hg19) VCF-style: chrX-125685995-G-T.
Identifiers: ClinVar variation 2661383 (VCV002661383.24), dbSNP rs369328900, ClinGen allele CA10511004.
Genomic context (GRCh38, chrX:126,552,012, plus strand): 5'-CAGCGCCACAGTGCCGTCGCGGGAGCCGCTCACGGCTACGGTGTCACTCAGCCAGGCGAC[G>T]GCGAAGATCCAGTCCTTGTGGCCATGGCGGTCGCCCAGGCACAGGGGATCCAGGGAGGGC-3'
Protein context (NP_848565.2, residues 189-209): DRHGHKDWIF[Ala199=]VAWLSDTVAV

ClinVar aggregate classification (germline): Likely benign (1 of 4 stars; one submission).

Allele frequency attached by ClinVar (database versions not stated): ESP Exome Variant Server 0.00009.
gnomAD v4.1: 200 of 1,211,582 alleles (0.017%); highest among the groups gnomAD compares: Non-Finnish European, 0.016%; no homozygotes.

Submission:

CeGaT Center for Human Genetics Tuebingen
Classification: Likely benign. Last evaluated: 2023-03-01. Review status: criteria provided, single submitter. Criteria: CeGaT Center For Human Genetics Tuebingen Variant Classification Criteria Version 2. Collection method: clinical testing. Allele origin: germline. Affected: yes. Observed: 3 variant alleles.
Comment: DCAF12L1: BP4, BP7, BS2